The following is an entry in ClinVar:

ClinVar aggregate classification (germline): Benign. Review status: criteria provided, multiple submitters, no conflicts (2 of 4 stars). 3 submissions from 3 submitters: Benign (2). 1 of the submissions does not count toward it. Last evaluated 2019-10-17.

Conditions:
Leber optic atrophy (LHON). Also called: Leber hereditary optic neuropathy; Leber's disease; Leber's optic atrophy; Optic Atrophy, Hereditary, Leber. Identifiers: Orphanet 104, MedGen C0917796, MONDO:0010788, OMIM 535000, HP:0001112.
Leigh syndrome (NULS). Also called: Leigh's syndrome; Leigh Disease; Leigh's necrotizing encephalopathy; Leigh's disease; Subacute necrotizing encephalopathy; Necrotizing encephalopathy infantile subacute of Leigh. Identifiers: Orphanet 506, MedGen C2931891, MONDO:0009723, OMIM 256000.

Submissions (3):

Wong Mito Lab, Molecular and Human Genetics, Baylor College of Medicine
Classification: Benign for Leigh syndrome. Last evaluated: 2019-10-17. Review status: criteria provided, single submitter. Criteria: Modified ACMG Guidelines (Unpublished). Collection method: clinical testing. Allele origin: germline.
Comment: The NC_012920.1:m.4136A>G (YP_003024026.1:p.Tyr277Cys) variant in MTND1 gene is interpretated to be a Benign variant based on the modified ACMG guidelines (unpublished). This variant meets the following evidence codes: BS1, BS2

Breakthrough Genomics
Classification: Benign. Review status: criteria provided, single submitter. Criteria: ACMG Guidelines, 2015. Collection method: not provided. Allele origin: germline. Inheritance: Unknown mechanism. Affected: yes.

OMIM
Classification: Pathogenic for LEBER OPTIC ATROPHY. Last evaluated: 1991-11-01. Review status: no assertion criteria provided. Collection method: literature only. Allele origin: germline. Not counted in ClinVar's aggregate classification.

Literature cited by the submitters: PubMed 18216301 (cited by Wong Mito Lab, Molecular and Human Genetics, Baylor College of Medicine); PubMed 1928099 (cited by OMIM).

NC_012920.1(MT-ND1):m.4136A>G

Gene: MT-ND1 (mitochondrially encoded NADH dehydrogenase 1; plus strand).
Variant type: single nucleotide variant.
Genome position: chrM-4136-A-G.
Identifiers: ClinVar variation 9727 (VCV000009727.3), dbSNP rs199476121, ClinGen allele CA254860.
Genomic context (GRCh38, chrMT:4,136, plus strand): 5'-CATATTTTGTCACCAAGACCCTACTTCTAACCTCCCTGTTCTTATGAATTCGAACAGCAT[A>G]CCCCCGATTCCGCTACGACCAACTCATACACCTCCTATGAAAAAACTTCCTACCACTCAC-3'